The following is an entry in ClinVar:

NM_006516.4(SLC2A1):c.607G>A (p.Val203Met)

Gene: SLC2A1 (solute carrier family 2 member 1; minus strand). Cytogenetic location: 1p34.2.
Variant type: single nucleotide variant.
Coding change: c.607G>A on transcript NM_006516.4 (MANE Select); coding-DNA position 607, G replaced by A.
Protein change: p.Val203Met; replaces valine 203 with methionine.
Molecular consequence: missense variant.
Genome position (GRCh38, 1-based): chr1:42,929,945, C>T on the plus strand (G>A on the coding strand, the complement: SLC2A1 is on the minus strand). VCF-style: chr1-42929945-C-T. GRCh37 (hg19) VCF-style: chr1-43395616-C-T.
Other names: short protein forms V203M.
Identifiers: ClinVar variation 863941 (VCV000863941.10), dbSNP rs758200582, ClinGen allele CA339958604.

ClinVar aggregate classification (germline): Uncertain significance (1 of 4 stars; one submission).

Conditions:
GLUT1 deficiency syndrome 1, autosomal recessive. Identifiers: MedGen C3149117.

Allele frequency attached by ClinVar (database versions not stated): TOPMed below 0.00001; gnomAD 0.00001.
gnomAD v4.1: 7 of 1,614,010 alleles (0.00043%); highest among the groups gnomAD compares: Middle Eastern, 0.016%; no homozygotes.

Submission:

Labcorp Genetics (formerly Invitae), Labcorp
Classification: Uncertain significance for GLUT1 deficiency syndrome 1, autosomal recessive. Last evaluated: 2025-02-17. Review status: criteria provided, single submitter. Criteria: Invitae Variant Classification Sherloc (09022015). Collection method: clinical testing. Allele origin: germline.
Comment: This sequence change replaces valine, which is neutral and non-polar, with methionine, which is neutral and non-polar, at codon 203 of the SLC2A1 protein (p.Val203Met). This variant is present in population databases (no rsID available, gnomAD no frequency). This variant has not been reported in the literature in individuals affected with SLC2A1-related conditions. ClinVar contains an entry for this variant (Variation ID: 863941). An algorithm developed to predict the effect of missense changes on protein structure and function outputs the following: PolyPhen-2: "Benign". The methionine amino acid residue is found in multiple mammalian species, which suggests that this missense change does not adversely affect protein function. In summary, the available evidence is currently insufficient to determine the role of this variant in disease. Therefore, it has been classified as a Variant of Uncertain Significance.